The following is an entry in ClinVar:

NM_000540.3(RYR1):c.8692+28T>G

Gene: RYR1 (ryanodine receptor 1; plus strand). Cytogenetic location: 19q13.2.
Variant type: single nucleotide variant.
Coding change: c.8692+28T>G on transcript NM_000540.3 (MANE Select); 28 bases into the intron after coding-DNA position 8692, T replaced by G.
Molecular consequence: intron variant.
Genome position (GRCh38, 1-based): chr19:38,506,574, T>G. VCF-style: chr19-38506574-T-G. GRCh37 (hg19) VCF-style: chr19-38997214-T-G.
Other names: c.8692+28T>G (NM_001042723.2).
Identifiers: ClinVar variation 133233 (VCV000133233.6), dbSNP rs2960345, ClinGen allele CA024941.
Genomic context (GRCh38, chr19:38,506,574, plus strand): 5'-GACGGAAGAAGAAGCAGGAGCTGGAAGCCAAAGGTGAGGGCGCCCATGCCGCCCCCACGC[T>G]ACCCCCGTGGATTCACCGTGTGGTTTTGCTGATTGCCTTCATGCCCCTGAAACTCGGTTT-3'

ClinVar aggregate classification (germline): Benign. Review status: criteria provided, multiple submitters, no conflicts (2 of 4 stars). 7 submissions from 5 submitters: Benign (6). 1 of the submissions does not count toward it. Last evaluated 2021-11-07.

Conditions:
Congenital multicore myopathy with external ophthalmoplegia (CMYO1B). Also called: Minicore myopathy with external ophthalmoplegia; MULTIMINICORE DISEASE WITH EXTERNAL OPHTHALMOPLEGIA; Congenital myopathy 1B, autosomal recessive; Minicore myopathy; MULTICORE MYOPATHY. Identifiers: Orphanet 598, Orphanet 98905, MedGen C1850674, MONDO:0009712, OMIM 255320, HP:0003789.
Central core myopathy (CMYO1A). Also called: CONGENITAL MYOPATHY 1A, AUTOSOMAL DOMINANT, WITH SUSCEPTIBILITY TO MALIGNANT HYPERTHERMIA; Central core disease; Myopathy, central fibrillar. Identifiers: Orphanet 597, MedGen C5830701, MONDO:0007294, OMIM 117000.
King Denborough syndrome (KDS). Identifiers: MedGen C1840365, MONDO:0020485, OMIM 619542.

Allele frequency attached by ClinVar (database versions not stated): ESP Exome Variant Server 0.30878; gnomAD 0.31541; TOPMed 0.33273; 1000 Genomes Project 30x 0.40256; 1000 Genomes Project 0.40615.
gnomAD v4.1: 452,090 of 1,610,966 alleles (28%); highest among the groups gnomAD compares: South Asian, 45%; 67,457 homozygotes.

Submissions (7):

Genome-Nilou Lab
Classification: Benign for Central core myopathy. Last evaluated: 2021-11-07. Review status: criteria provided, single submitter. Criteria: ACMG Guidelines, 2015. Collection method: clinical testing. Allele origin: germline. Affected: no.

Genome-Nilou Lab
Classification: Benign for King Denborough syndrome. Last evaluated: 2021-11-07. Review status: criteria provided, single submitter. Criteria: ACMG Guidelines, 2015. Collection method: clinical testing. Allele origin: germline. Affected: no.

Genome-Nilou Lab
Classification: Benign for Congenital multicore myopathy with external ophthalmoplegia. Last evaluated: 2021-11-07. Review status: criteria provided, single submitter. Criteria: ACMG Guidelines, 2015. Collection method: clinical testing. Allele origin: germline. Affected: no.

GeneDx
Classification: Benign. Last evaluated: 2018-06-14. Review status: criteria provided, single submitter. Criteria: GeneDx Variant Classification (06012015). Collection method: clinical testing. Allele origin: germline. Affected: yes.
Comment: This variant is considered likely benign or benign based on one or more of the following criteria: it is a conservative change, it occurs at a poorly conserved position in the protein, it is predicted to be benign by multiple in silico algorithms, and/or has population frequency not consistent with disease.

PreventionGenetics, part of Exact Sciences
Classification: Benign. Last evaluated: 2018-04-03. Review status: criteria provided, single submitter. Criteria: ACMG Guidelines, 2015. Collection method: clinical testing. Allele origin: germline.

Breakthrough Genomics
Classification: Benign. Review status: criteria provided, single submitter. Criteria: ACMG Guidelines, 2015. Collection method: not provided. Allele origin: germline. Inheritance: Autosomal recessive inheritance. Affected: yes.

RYR1 database
No classification provided. Review status: no classification provided. Collection method: not provided. Allele origin: unknown. Not counted in ClinVar's aggregate classification.